The following is an entry in ClinVar:

ClinVar aggregate classification (germline): Uncertain significance (1 of 4 stars; one submission).

Conditions:
Arrhythmogenic cardiomyopathy with wooly hair and keratoderma. Also called: Carvajal syndrome; PALMOPLANTAR KERATODERMA WITH LEFT VENTRICULAR CARDIOMYOPATHY AND WOOLLY HAIR; Dilated cardiomyopathy with woolly hair and keratoderma; Arrhythmogenic cardiomyopathy with woolly hair and keratoderma. Identifiers: Orphanet 65282, MedGen C1854063, MONDO:0011581, OMIM 605676.

gnomAD v4.1: 1 of 1,613,996 alleles (0.000062%); highest among the groups gnomAD compares: African/African-American, 0.0013%; no homozygotes.

Submission:

All of Us Research Program, National Institutes of Health
Classification: Uncertain significance for Arrhythmogenic cardiomyopathy with wooly hair and keratoderma. Last evaluated: 2024-07-10. Review status: criteria provided, single submitter. Criteria: ACMG Guidelines, 2015. Collection method: clinical testing. Allele origin: germline. Inheritance: Autosomal dominant inheritance. Observed: 2 variant alleles, 2 heterozygotes.
Comment: This missense variant replaces valine with leucine at codon 370 of the DSP protein. Computational prediction is inconclusive regarding the impact of this variant on protein structure and function (internally defined REVEL score threshold 0.5 < inconclusive < 0.7, PMID: 27666373). To our knowledge, functional studies have not been reported for this variant. This variant has not been reported in individuals affected with DSP-related disorders in the literature. This variant has not been identified in the general population by the Genome Aggregation Database (gnomAD). The available evidence is insufficient to determine the role of this variant in disease conclusively. Therefore, this variant is classified as a Variant of Uncertain Significance.

This study involves interpretation of variants in research participants for the purpose of population health screening. Participant phenotype was not available at the time of variant classification. Additional details can be found in publication PMID: 35346344, PMCID: PMC8962531

NM_004415.4(DSP):c.1108G>C (p.Val370Leu)

Gene: DSP (desmoplakin; plus strand). Cytogenetic location: 6p24.3.
Variant type: single nucleotide variant.
Coding change: c.1108G>C on transcript NM_004415.4 (MANE Select); coding-DNA position 1108, G replaced by C.
Protein change: p.Val370Leu; replaces valine 370 with leucine.
Molecular consequence: missense variant.
Genome position (GRCh38, 1-based): chr6:7,567,417, G>C. VCF-style: chr6-7567417-G-C. GRCh37 (hg19) VCF-style: chr6-7567650-G-C.
Other names: c.1108G>C, p.Val370Leu (NM_001008844.3, NM_001319034.2, NM_001406591.1); short protein forms V370L.
Identifiers: ClinVar variation 3386624 (VCV003386624.1).